The following is an entry in ClinVar:

NM_017950.4(CCDC40):c.2236-7G>A

Gene: CCDC40 (coiled-coil domain 40 molecular ruler complex subunit; plus strand). Cytogenetic location: 17q25.3.
Variant type: single nucleotide variant.
Coding change: c.2236-7G>A on transcript NM_017950.4 (MANE Select); 7 bases into the intron before coding-DNA position 2236, G replaced by A.
Molecular consequence: intron variant.
Genome position (GRCh38, 1-based): chr17:80,085,996, G>A. VCF-style: chr17-80085996-G-A. GRCh37 (hg19) VCF-style: chr17-78059795-G-A.
Other names: c.2236-7G>A (NM_001243342.2).
Identifiers: ClinVar variation 4975381 (VCV004975381.1).

ClinVar aggregate classification (germline): Uncertain significance (1 of 4 stars; one submission).

gnomAD v4.1: 10 of 1,613,460 alleles (0.00062%); highest among the groups gnomAD compares: African/African-American, 0.004%; no homozygotes.

Submission:

GeneDx
Classification: Uncertain significance. Last evaluated: 2026-01-23. Review status: criteria provided, single submitter. Criteria: GeneDx Variant Classification Process June 2021. Collection method: clinical testing. Allele origin: germline.
Comment: In silico analysis supports a deleterious effect on splicing; Has not been previously published as pathogenic or benign to our knowledge